The following is an entry in ClinVar:

ClinVar aggregate classification (germline): Uncertain significance. Review status: criteria provided, multiple submitters, no conflicts (2 of 4 stars). 3 submissions from 3 submitters: Uncertain significance (3). Last evaluated 2024-03-06.

Conditions:
Arrhythmogenic right ventricular dysplasia 8 (ARVD8). Also called: ARRHYTHMOGENIC RIGHT VENTRICULAR DYSPLASIA, FAMILIAL, 8; ARRHYTHMOGENIC RIGHT VENTRICULAR CARDIOMYOPATHY 8; Arrhythmogenic Right Ventricular Dysplasia/Cardiomyopathy 8. Identifiers: MedGen C1843896, MONDO:0011831, OMIM 607450.
Arrhythmogenic cardiomyopathy with wooly hair and keratoderma. Also called: Dilated cardiomyopathy with woolly hair and keratoderma; Carvajal syndrome; PALMOPLANTAR KERATODERMA WITH LEFT VENTRICULAR CARDIOMYOPATHY AND WOOLLY HAIR; Arrhythmogenic cardiomyopathy with woolly hair and keratoderma. Identifiers: Orphanet 65282, MedGen C1854063, MONDO:0011581, OMIM 605676.
Cardiomyopathy (CMYO). Also called: Cardiomyopathies. Identifiers: Orphanet 167848, MedGen C0878544, MONDO:0004994, HP:0001638. Inheritance: Various modes of inheritance.

Allele frequency attached by ClinVar (database versions not stated): gnomAD exomes below 0.00001.
gnomAD v4.1: 3 of 1,614,010 alleles (0.00019%); highest among the groups gnomAD compares: Non-Finnish European, 0.00025%; no homozygotes.

Submissions (3):

Color Diagnostics, LLC DBA Color Health
Classification: Uncertain significance for Cardiomyopathy. Last evaluated: 2024-03-06. Review status: criteria provided, single submitter. Criteria: ACMG Guidelines, 2015. Collection method: clinical testing. Allele origin: germline.
Comment: This missense variant replaces valine with alanine at codon 1975 of the DSP protein. Computational prediction suggests that this variant may not impact protein structure and function (internally defined REVEL score threshold <= 0.5, PMID: 27666373). To our knowledge, functional studies have not been reported for this variant. This variant has not been reported in individuals affected with cardiovascular disorders in the literature. This variant has not been identified in the general population by the Genome Aggregation Database (gnomAD). The available evidence is insufficient to determine the role of this variant in disease conclusively. Therefore, this variant is classified as a Variant of Uncertain Significance.

All of Us Research Program, National Institutes of Health
Classification: Uncertain significance for Arrhythmogenic cardiomyopathy with wooly hair and keratoderma. Last evaluated: 2024-01-11. Review status: criteria provided, single submitter. Criteria: ACMG Guidelines, 2015. Collection method: clinical testing. Allele origin: germline. Inheritance: Autosomal dominant inheritance. Observed: 1 variant allele, 1 heterozygote.
Comment: This study involves interpretation of variants in research participants for the purpose of population health screening. Participant phenotype was not available at the time of variant classification. Additional details can be found in publication PMID: 35346344, PMCID: PMC8962531

Labcorp Genetics (formerly Invitae), Labcorp
Classification: Uncertain significance for Arrhythmogenic cardiomyopathy with wooly hair and keratoderma; Arrhythmogenic right ventricular dysplasia 8. Last evaluated: 2022-08-27. Review status: criteria provided, single submitter. Criteria: Invitae Variant Classification Sherloc (09022015). Collection method: clinical testing. Allele origin: germline.
Comment: In summary, the available evidence is currently insufficient to determine the role of this variant in disease. Therefore, it has been classified as a Variant of Uncertain Significance. Algorithms developed to predict the effect of missense changes on protein structure and function are either unavailable or do not agree on the potential impact of this missense change (SIFT: "Deleterious"; PolyPhen-2: "Benign"; Align-GVGD: "Class C25"). ClinVar contains an entry for this variant (Variation ID: 1041014). This variant has not been reported in the literature in individuals affected with DSP-related conditions. This variant is not present in population databases (gnomAD no frequency). This sequence change replaces valine, which is neutral and non-polar, with alanine, which is neutral and non-polar, at codon 1975 of the DSP protein (p.Val1975Ala).

NM_004415.4(DSP):c.5924T>C (p.Val1975Ala)

Gene: DSP (desmoplakin; plus strand). Cytogenetic location: 6p24.3.
Variant type: single nucleotide variant.
Coding change: c.5924T>C on transcript NM_004415.4 (MANE Select); coding-DNA position 5924, T replaced by C.
Protein change: p.Val1975Ala; replaces valine 1975 with alanine.
Molecular consequence: missense variant.
Genome position (GRCh38, 1-based): chr6:7,583,186, T>C. VCF-style: chr6-7583186-T-C. GRCh37 (hg19) VCF-style: chr6-7583419-T-C.
Other names: c.4127T>C, p.Val1376Ala (NM_001008844.3); c.4595T>C, p.Val1532Ala (NM_001319034.2); short protein forms V1975A, V1376A, V1532A.
Identifiers: ClinVar variation 1041014 (VCV001041014.12), dbSNP rs1759505693, ClinGen allele CA362689709.